The following is an entry in ClinVar:

NM_004304.5(ALK):c.2594C>G (p.Ser865Cys)

Gene: ALK (ALK receptor tyrosine kinase; minus strand). Cytogenetic location: 2p23.2.
Variant type: single nucleotide variant.
Coding change: c.2594C>G on transcript NM_004304.5 (MANE Select); coding-DNA position 2594, C replaced by G.
Protein change: p.Ser865Cys; replaces serine 865 with cysteine.
Molecular consequence: missense variant.
Genome position (GRCh38, 1-based): chr2:29,232,342, G>C on the plus strand (C>G on the coding strand, the complement: ALK is on the minus strand). VCF-style: chr2-29232342-G-C. GRCh37 (hg19) VCF-style: chr2-29455208-G-C.
Other names: short protein forms S865C.
Identifiers: ClinVar variation 2566586 (VCV002566586.2), dbSNP rs2465986210, ClinGen allele CA346471656.

ClinVar aggregate classification (germline): Uncertain significance (1 of 4 stars; one submission).

Conditions:
Hereditary cancer-predisposing syndrome. Also called: Hereditary neoplastic syndrome; Hereditary Cancer Syndrome; Neoplastic Syndromes, Hereditary; Tumor predisposition. Identifiers: Orphanet 140162, MedGen C0027672, MeSH D009386, MONDO:0015356.

Allele frequency attached by ClinVar (database versions not stated): gnomAD exomes below 0.00001.
gnomAD v4.1: 2 of 1,614,246 alleles (0.00012%); highest among the groups gnomAD compares: Admixed American, 0.0033%; no homozygotes.

Submission:

Ambry Genetics
Classification: Uncertain significance for Hereditary cancer-predisposing syndrome. Last evaluated: 2023-04-28. Review status: criteria provided, single submitter. Criteria: Ambry Variant Classification Scheme 2023. Collection method: clinical testing. Allele origin: germline.
Comment: The p.S865C variant (also known as c.2594C>G), located in coding exon 15 of the ALK gene, results from a C to G substitution at nucleotide position 2594. The serine at codon 865 is replaced by cysteine, an amino acid with dissimilar properties. This amino acid position is conserved. In addition, the in silico prediction for this alteration is inconclusive. Since supporting evidence is limited at this time, the clinical significance of this alteration remains unclear.